The following is an entry in ClinVar:

ClinVar aggregate classification (germline): Uncertain significance. Review status: criteria provided, multiple submitters, no conflicts (2 of 4 stars). 3 submissions from 3 submitters: Uncertain significance (3). Last evaluated 2025-05-05.

Conditions:
Inborn genetic diseases. Identifiers: MedGen C0950123, MeSH D030342.
Polycystic kidney disease, adult type (PKD1). Also called: POLYCYSTIC KIDNEY DISEASE 1 WITH OR WITHOUT POLYCYSTIC LIVER DISEASE; Polycystic Kidney Disease 1, Autosomal Dominant; Polycystic kidney disease 1; Polycystic kidney disease 1, severe; POLYCYSTIC KIDNEY DISEASE, ADULT, TYPE I; Polycystic Kidney, Autosomal Dominant. Identifiers: MedGen C3149841, MONDO:0008263, OMIM 173900.

gnomAD v4.1: 20 of 1,612,490 alleles (0.0012%); highest among the groups gnomAD compares: Non-Finnish European, 0.0014%; no homozygotes.

Submissions (3):

Ambry Genetics
Classification: Uncertain significance for Inborn genetic diseases. Last evaluated: 2025-05-05. Review status: criteria provided, single submitter. Criteria: Ambry Variant Classification Scheme 2023. Collection method: clinical testing. Allele origin: germline.

GeneDx
Classification: Uncertain significance. Last evaluated: 2022-03-08. Review status: criteria provided, single submitter. Criteria: GeneDx Variant Classification Process June 2021. Collection method: clinical testing. Allele origin: germline. Affected: yes.
Comment: In silico analysis supports that this missense variant does not alter protein structure/function; Not observed at a significant frequency in large population cohorts (gnomAD); Has not been previously published as pathogenic or benign to our knowledge

Department of Pathology and Laboratory Medicine, Sinai Health System
Classification: Uncertain significance for Polycystic kidney disease, adult type. Last evaluated: 2022-02-17. Review status: criteria provided, single submitter. Criteria: ACMG Guidelines, 2015. Collection method: research. Allele origin: germline.

NM_001009944.3(PKD1):c.12097C>G (p.Leu4033Val)

Gene: PKD1 (polycystin 1, transient receptor potential channel interacting; minus strand). Cytogenetic location: 16p13.3.
Variant type: single nucleotide variant.
Coding change: c.12097C>G on transcript NM_001009944.3 (MANE Select); coding-DNA position 12097, C replaced by G.
Protein change: p.Leu4033Val; replaces leucine 4033 with valine.
Molecular consequence: missense variant.
Genome position (GRCh38, 1-based): chr16:2,090,715, G>C on the plus strand (C>G on the coding strand, the complement: PKD1 is on the minus strand). VCF-style: chr16-2090715-G-C. GRCh37 (hg19) VCF-style: chr16-2140716-G-C.
Other names: c.12094C>G, p.Leu4032Val (NM_000296.4); c.12094C>G (NM_000296.3); short protein forms L4032V, L4033V.
Identifiers: ClinVar variation 1254212 (VCV001254212.6), dbSNP rs771603537, ClinGen allele CA7828830.